The following is an entry in ClinVar:

ClinVar aggregate classification (germline): Likely pathogenic (1 of 4 stars; one submission).

Conditions:
Hypogonadotropic hypogonadism 8 with or without anosmia (HH8). Also called: HYPOGONADOTROPIC HYPOGONADISM 8 WITH ANOSMIA, SUSCEPTIBILITY TO; KISS1R-Related GnRH Deficiency. Identifiers: Orphanet 478, MedGen C3553841, MONDO:0013910, OMIM 614837.

Submission:

Juno Genomics, Hangzhou Juno Genomics, Inc
Classification: Likely pathogenic for Hypogonadotropic hypogonadism 8 with or without anosmia. Review status: criteria provided, single submitter. Criteria: ACMG Guidelines, 2015. Collection method: clinical testing. Allele origin: germline.
Comment: Null variant in a gene where loss of function (LOF) is a known mechanism of disease.;Absent from controls (or at extremely low frequency if recessive) in Genome Aggregation Database.

NM_032551.5(KISS1R):c.375_377delinsCC (p.Val126fs)

Gene: KISS1R (KISS1 receptor; plus strand). Cytogenetic location: 19p13.3.
Variant type: Indel.
Coding change: c.375_377delinsCC on transcript NM_032551.5 (MANE Select); coding-DNA positions 375 to 377, GGT replaced by CC.
Protein change: p.Val126fs; shifts the reading frame from valine 126.
Molecular consequence: frameshift variant.
Genome position (GRCh38, 1-based): chr19:919,495-919,497, GGT replaced by CC. VCF-style: chr19-919495-GGT-CC. GRCh37 (hg19) VCF-style: chr19-919495-GGT-CC.
Other names: short protein forms V126fs.
Identifiers: ClinVar variation 5006052 (VCV005006052.2).